The following is an entry in ClinVar:

NM_024675.4(PALB2):c.2188A>G (p.Ile730Val)

Gene: PALB2 (partner and localizer of BRCA2; minus strand). Cytogenetic location: 16p12.2.
Variant type: single nucleotide variant.
Coding change: c.2188A>G on transcript NM_024675.4 (MANE Select); coding-DNA position 2188, A replaced by G.
Protein change: p.Ile730Val; replaces isoleucine 730 with valine.
Molecular consequence: missense variant.
Genome position (GRCh38, 1-based): chr16:23,629,966, T>C on the plus strand (A>G on the coding strand, the complement: PALB2 is on the minus strand). VCF-style: chr16-23629966-T-C. GRCh37 (hg19) VCF-style: chr16-23641287-T-C.
Other names: short protein forms I730V.
Identifiers: ClinVar variation 410110 (VCV000410110.29), dbSNP rs1060502735, ClinGen allele CA16614873.

ClinVar aggregate classification (germline): Conflicting classifications of pathogenicity. Review status: criteria provided, conflicting classifications (1 of 4 stars). 9 submissions from 9 submitters: Uncertain significance (7); Likely benign (1). 1 of the submissions does not count toward it. Last evaluated 2026-01-19.

Conditions:
Hereditary cancer-predisposing syndrome. Also called: Neoplastic Syndromes, Hereditary; Tumor predisposition; Hereditary Cancer Syndrome; Hereditary neoplastic syndrome. Identifiers: Orphanet 140162, MedGen C0027672, MeSH D009386, MONDO:0015356.
Familial cancer of breast. Also called: hereditary breast carcinoma; BREAST CANCER, FAMILIAL; Hereditary breast cancer. Identifiers: Orphanet 227535, MedGen C0346153, MONDO:0016419, OMIM 114480. Disease mechanism: loss of function.
Malignant tumor of breast. Also called: Malignant breast neoplasm; Cancer breast. Identifiers: MedGen C0006142, MONDO:0007254. Disease mechanism: loss of function.

Allele frequency attached by ClinVar (database versions not stated): gnomAD exomes below 0.00001 and 0.00001.
gnomAD v4.1: 9 of 1,614,106 alleles (0.00056%); highest among the groups gnomAD compares: Non-Finnish European, 0.00076%; no homozygotes.

Submissions (9):

Labcorp Genetics (formerly Invitae), Labcorp
Classification: Uncertain significance for Familial cancer of breast. Last evaluated: 2026-01-19. Review status: criteria provided, single submitter. Criteria: Invitae Variant Classification Sherloc (09022015). Collection method: clinical testing. Allele origin: germline.
Comment: This sequence change replaces isoleucine, which is neutral and non-polar, with valine, which is neutral and non-polar, at codon 730 of the PALB2 protein (p.Ile730Val). This variant is present in population databases (no rsID available, gnomAD 0.0009%). This variant has not been reported in the literature in individuals affected with PALB2-related conditions. ClinVar contains an entry for this variant (Variation ID: 410110). Invitae Evidence Modeling of protein sequence and biophysical properties (such as structural, functional, and spatial information, amino acid conservation, physicochemical variation, residue mobility, and thermodynamic stability) indicates that this missense variant is not expected to disrupt PALB2 protein function with a negative predictive value of 80%. In summary, the available evidence is currently insufficient to determine the role of this variant in disease. Therefore, it has been classified as a Variant of Uncertain Significance.

Ambry Genetics
Classification: Likely benign for Hereditary cancer-predisposing syndrome. Last evaluated: 2025-06-05. Review status: criteria provided, single submitter. Criteria: Ambry Variant Classification Scheme 2023. Collection method: clinical testing. Allele origin: germline.

Center for Genomic Medicine, Rigshospitalet, Copenhagen University Hospital
Classification: Uncertain significance. Last evaluated: 2025-03-04. Review status: criteria provided, single submitter. Criteria: ACMG Guidelines, 2015. Collection method: clinical testing. Allele origin: germline.

GeneDx
Classification: Uncertain significance. Last evaluated: 2024-07-18. Review status: criteria provided, single submitter. Criteria: GeneDx Variant Classification Process June 2021. Collection method: clinical testing. Allele origin: germline. Affected: yes.
Comment: Observed in a cohort of individuals with prostate cancer (PMID: 36922933); Not observed at significant frequency in large population cohorts (gnomAD); In silico analysis indicates that this missense variant does not alter protein structure/function; This variant is associated with the following publications: (PMID: 22941656, 33471991, 36922933)

Baylor Genetics
Classification: Uncertain significance for Familial cancer of breast. Last evaluated: 2023-09-15. Review status: criteria provided, single submitter. Criteria: ACMG Guidelines, 2015. Collection method: clinical testing. Allele origin: unknown.

Blueprint Genetics
Classification: Uncertain significance. Last evaluated: 2023-09-04. Review status: criteria provided, single submitter. Criteria: ACMG Guidelines, 2015. Collection method: clinical testing. Allele origin: germline.

Women's Health and Genetics/Laboratory Corporation of America, LabCorp
Classification: Uncertain significance. Last evaluated: 2020-05-14. Review status: criteria provided, single submitter. Criteria: LabCorp Variant Classification Summary - May 2015. Collection method: clinical testing. Allele origin: germline.
Comment: Variant summary: PALB2 c.2188A>G (p.Ile730Val) results in a conservative amino acid change in the encoded protein sequence. Five of five in-silico tools predict a benign effect of the variant on protein function. The variant allele was found at a frequency of 4e-06 in 251490 control chromosomes. The available data on variant occurrences in the general population are insufficient to allow any conclusion about variant significance. To our knowledge, no occurrence of c.2188A>G in individuals affected with Breast Cancer and no experimental evidence demonstrating its impact on protein function have been reported. Four clinical diagnostic laboratories have submitted clinical-significance assessments for this variant to ClinVar after 2014 without evidence for independent evaluation. All laboratories classified the variant as uncertain significance. Based on the evidence outlined above, the variant was classified as uncertain significance.

Color Diagnostics, LLC DBA Color Health
Classification: Uncertain significance for Hereditary cancer-predisposing syndrome. Last evaluated: 2018-12-13. Review status: criteria provided, single submitter. Criteria: ACMG Guidelines, 2015. Collection method: clinical testing. Allele origin: germline.

Department of Pathology and Laboratory Medicine, Sinai Health System
Classification: Uncertain significance for Malignant tumor of breast. Review status: no assertion criteria provided. Collection method: clinical testing. Allele origin: unknown. Affected: yes. Observed: 1 variant allele. Study: The Canadian Open Genetics Repository (COGR). Not counted in ClinVar's aggregate classification.
Comment: The PALB2 p.Ile730Val variant was not identified in the literature nor was it identified in the dbSNP database. The variant was identified in ClinVar (classified as uncertain significance by Invitae, GeneDx, and Ambry Genetics). The variant was identified in control databases in 1 of 246268 chromosomes at a frequency of 0.000004 (Genome Aggregation Database Feb 27, 2017). The variant was observed in the European population in 1 of 111716 chromosomes (freq: 0.000009), but not in the African, Other, Latino, Ashkenazi Jewish, East Asian, Finnish, or South Asian populations. The p.Ile730 residue is not conserved in mammals and computational analyses (PolyPhen-2, SIFT, AlignGVGD, BLOSUM, MutationTaster) do not suggest a high likelihood of impact to the protein; however, this information is not predictive enough to rule out pathogenicity. The variant occurs outside of the splicing consensus sequence in silico or computational prediction software programs (SpliceSiteFinder, MaxEntScan, NNSPLICE, GeneSplicer) do not predict a greater than 10% difference in splicing. In summary, based on the above information, the clinical significance of this variant cannot be determined with certainty at this time. This variant is classified as a variant of uncertain significance.

Literature cited by the submitters: PubMed 33471991 (cited by Ambry Genetics).